The following is an entry in ClinVar:

NM_006015.6(ARID1A):c.2936C>T (p.Thr979Ile)

Gene: ARID1A (AT-rich interaction domain 1A; plus strand). Cytogenetic location: 1p36.11.
Variant type: single nucleotide variant.
Coding change: c.2936C>T on transcript NM_006015.6 (MANE Select); coding-DNA position 2936, C replaced by T.
Protein change: p.Thr979Ile; replaces threonine 979 with isoleucine.
Molecular consequence: missense variant.
Genome position (GRCh38, 1-based): chr1:26,766,514, C>T. VCF-style: chr1-26766514-C-T. GRCh37 (hg19) VCF-style: chr1-27093005-C-T.
Other names: c.2936C>T, p.Thr979Ile (NM_139135.4); short protein forms T979I.
Identifiers: ClinVar variation 4768096 (VCV004768096.1).

ClinVar aggregate classification (germline): Uncertain significance (1 of 4 stars; one submission).

gnomAD v4.1: 1 of 1,613,990 alleles (0.000062%); highest among the groups gnomAD compares: Non-Finnish European, 0.000085%; no homozygotes.

Submission:

Labcorp Genetics (formerly Invitae), Labcorp
Classification: Uncertain significance. Last evaluated: 2025-10-09. Review status: criteria provided, single submitter. Criteria: Invitae Variant Classification Sherloc (09022015). Collection method: clinical testing. Allele origin: germline.
Comment: This sequence change replaces threonine, which is neutral and polar, with isoleucine, which is neutral and non-polar, at codon 979 of the ARID1A protein (p.Thr979Ile). This variant is not present in population databases (gnomAD no frequency). This variant has not been reported in the literature in individuals affected with ARID1A-related conditions. Invitae Evidence Modeling of protein sequence and biophysical properties (such as structural, functional, and spatial information, amino acid conservation, physicochemical variation, residue mobility, and thermodynamic stability) indicates that this missense variant is not expected to disrupt ARID1A protein function with a negative predictive value of 80%. In summary, the available evidence is currently insufficient to determine the role of this variant in disease. Therefore, it has been classified as a Variant of Uncertain Significance.